The following is an entry in ClinVar:

NM_001365276.2(TNXB):c.7324A>T (p.Thr2442Ser)

Gene: TNXB (tenascin XB; minus strand). Cytogenetic location: 6p21.33.
Variant type: single nucleotide variant.
Coding change: c.7324A>T on transcript NM_001365276.2 (MANE Select); coding-DNA position 7324, A replaced by T.
Protein change: p.Thr2442Ser; replaces threonine 2442 with serine.
Molecular consequence: missense variant.
Genome position (GRCh38, 1-based): chr6:32,061,565, T>A on the plus strand (A>T on the coding strand, the complement: TNXB is on the minus strand). VCF-style: chr6-32061565-T-A. GRCh37 (hg19) VCF-style: chr6-32029342-T-A.
Other names: c.8065A>T, p.Thr2689Ser (NM_001428335.1); c.7324A>T, p.Thr2442Ser (NM_019105.8); short protein forms T2442S, T2689S.
Identifiers: ClinVar variation 3898803 (VCV003898803.1).
Genomic context (GRCh38, chr6:32,061,565, plus strand): 5'-TCTCCTCGCCCCCAACACGCACCACCTGGGGCCGCCCGTCCCTGTCCTTGTACTGCACGG[T>A]GAAGGAGTCGAAGCGGCCCTGGGGGACGGTCCAGGAGAGGCTCAGCGAGTCAGGGGAGGA-3'
Protein context (NP_001352205.1, residues 2432-2452): TVPQGRFDSF[Thr2442Ser]VQYKDRDGRP

ClinVar aggregate classification (germline): Uncertain significance (1 of 4 stars; one submission).

gnomAD v4.1: 1 of 1,613,332 alleles (0.000062%); highest among the groups gnomAD compares: Non-Finnish European, 0.000085%; no homozygotes.

Submission:

GeneDx
Classification: Uncertain significance. Last evaluated: 2024-11-11. Review status: criteria provided, single submitter. Criteria: GeneDx Variant Classification Process June 2021. Collection method: clinical testing. Allele origin: germline. Affected: yes.
Comment: Not observed at significant frequency in large population cohorts (gnomAD); In silico analysis indicates that this missense variant does not alter protein structure/function; Has not been previously published as pathogenic or benign to our knowledge